The following is an entry in ClinVar:

NM_005476.7(GNE):c.982+3del

Gene: GNE (glucosamine (UDP-N-acetyl)-2-epimerase/N-acetylmannosamine kinase; minus strand). Cytogenetic location: 9p13.3.
Variant type: Deletion.
Coding change: c.982+3del on transcript NM_005476.7 (MANE Select); 3 bases into the intron after coding-DNA position 982, one base deleted (A; older notation c.982+3delA).
Molecular consequence: intron variant.
Genome position (GRCh38, 1-based): chr9:36,233,917, T deleted on the plus strand (A on the coding strand, the reverse complement: GNE is on the minus strand). VCF-style (leftmost placement, unchanged base first): chr9-36233916-AT-A. GRCh37 (hg19) VCF-style: chr9-36233913-AT-A.
Other names: c.1075+3del (NM_001128227.3); c.805+3del (NM_001190388.2, NM_001374798.1); c.652+3del (NM_001190384.3); c.829+3del (NM_001374797.1); c.982+3del (NM_001190383.3).
Identifiers: ClinVar variation 804872 (VCV000804872.3), dbSNP rs1587313110, ClinGen allele CA915947493.

ClinVar aggregate classification (germline): Uncertain significance. Review status: criteria provided, multiple submitters, no conflicts (2 of 4 stars). 2 submissions from 2 submitters: Uncertain significance (2). Last evaluated 2024-12-04.

Conditions:
GNE myopathy (NM). Also called: IBM 2; Inclusion body myopathy autosomal recessive; Inclusion body myopathy quadriceps sparing; NONAKA DISTAL MYOPATHY; INCLUSION BODY MYOPATHY, HEREDITARY, AUTOSOMAL RECESSIVE; INCLUSION BODY MYOPATHY 2, AUTOSOMAL RECESSIVE. Identifiers: Orphanet 602, MedGen C1853926, MONDO:0011603, OMIM 605820.
Sialuria. Also called: Sialic Acid Storage Disease; SIALURIA, FRENCH TYPE. Identifiers: Orphanet 3166, MedGen C0342853, MONDO:0010028, OMIM 269921.

Submissions (2):

Labcorp Genetics (formerly Invitae), Labcorp
Classification: Uncertain significance for Sialuria; GNE myopathy. Last evaluated: 2024-12-04. Review status: criteria provided, single submitter. Criteria: Invitae Variant Classification Sherloc (09022015). Collection method: clinical testing. Allele origin: germline.
Comment: This sequence change falls in intron 5 of the GNE gene. It does not directly change the encoded amino acid sequence of the GNE protein. It affects a nucleotide within the consensus splice site. This variant is not present in population databases (gnomAD no frequency). This variant has not been reported in the literature in individuals affected with GNE-related conditions. ClinVar contains an entry for this variant (Variation ID: 804872). Variants that disrupt the consensus splice site are a relatively common cause of aberrant splicing (PMID: 17576681, 9536098). Algorithms developed to predict the effect of sequence changes on RNA splicing suggest that this variant may disrupt the consensus splice site. In summary, the available evidence is currently insufficient to determine the role of this variant in disease. Therefore, it has been classified as a Variant of Uncertain Significance.

Athena Diagnostics
Classification: Uncertain significance. Last evaluated: 2019-05-09. Review status: criteria provided, single submitter. Criteria: Athena Diagnostics Criteria. Collection method: clinical testing. Allele origin: germline.

Literature cited by the submitters: PubMed 17576681 (cited by Labcorp Genetics (formerly Invitae), Labcorp); PubMed 9536098 (cited by Labcorp Genetics (formerly Invitae), Labcorp).